The following is an entry in ClinVar:

ClinVar aggregate classification (germline): Conflicting classifications of pathogenicity. Review status: criteria provided, conflicting classifications (1 of 4 stars). 2 submissions from 2 submitters: Uncertain significance (1); Likely benign (1). Last evaluated 2023-03-23.

Conditions:
Hereditary breast ovarian cancer syndrome. Also called: Hereditary breast and ovarian cancer syndrome; BRCA1- and BRCA2-Associated Hereditary Breast and Ovarian Cancer; Hereditary breast and/or ovarian cancer syndrome; Hereditary breast and ovarian cancer; Hereditary breast and ovarian cancer syndrome (HBOC); Breast and ovarian cancer. Identifiers: Orphanet 145, MedGen C0677776, MeSH D061325, MONDO:0003582. Disease mechanism: loss of function.
Hereditary cancer-predisposing syndrome. Also called: Neoplastic Syndromes, Hereditary; Hereditary Cancer Syndrome; Tumor predisposition; Hereditary neoplastic syndrome. Identifiers: Orphanet 140162, MedGen C0027672, MeSH D009386, MONDO:0015356.

Submissions (2):

University of Washington Department of Laboratory Medicine, University of Washington
Classification: Likely benign for Hereditary cancer-predisposing syndrome. Last evaluated: 2023-03-23. Review status: criteria provided, single submitter. Criteria: Dines et al. (Genet Med. 2020). Collection method: curation. Allele origin: germline.
Comment: Missense variant in a coldspot region where missense variants are very unlikely to be pathogenic (PMID:31911673).

BRCA1 coldspot (exon 11 using historical exon numbering). Reclassification based on statistical prior probability

Labcorp Genetics (formerly Invitae), Labcorp
Classification: Uncertain significance for Hereditary breast ovarian cancer syndrome. Last evaluated: 2019-04-24. Review status: criteria provided, single submitter. Criteria: Invitae Variant Classification Sherloc (09022015). Collection method: clinical testing. Allele origin: germline.
Comment: Algorithms developed to predict the effect of missense changes on protein structure and function are either unavailable or do not agree on the potential impact of this missense change (SIFT: "Tolerated"; PolyPhen-2: "Probably Damaging"; Align-GVGD: "Class C0"). In summary, the available evidence is currently insufficient to determine the role of this variant in disease. Therefore, it has been classified as a Variant of Uncertain Significance. This variant has not been reported in the literature in individuals with BRCA1-related conditions. This variant is not present in population databases (ExAC no frequency). This sequence change replaces lysine with glutamic acid at codon 357 of the BRCA1 protein (p.Lys357Glu). The lysine residue is moderately conserved and there is a small physicochemical difference between lysine and glutamic acid.

NM_007294.4(BRCA1):c.1069A>G (p.Lys357Glu)

Gene: BRCA1 (BRCA1 DNA repair associated; minus strand). Cytogenetic location: 17q21.31.
Variant type: single nucleotide variant.
Coding change: c.1069A>G on transcript NM_007294.4 (MANE Select); coding-DNA position 1069, A replaced by G.
Protein change: p.Lys357Glu; replaces lysine 357 with glutamic acid.
Molecular consequence: missense variant. On other transcripts: intron variant (137).
Genome position (GRCh38, 1-based): chr17:43,094,462, T>C on the plus strand (A>G on the coding strand, the complement: BRCA1 is on the minus strand). VCF-style: chr17-43094462-T-C. GRCh37 (hg19) VCF-style: chr17-41246479-T-C.
Other names: c.856A>G, p.Lys286Glu (NM_001407571.1, NM_001407853.1, NM_001407894.1 and 9 more transcripts); c.1069A>G, p.Lys357Glu (NM_001407581.1, NM_001407582.1, NM_001407583.1 and 30 more transcripts); c.1066A>G, p.Lys356Glu (NM_001407587.1, NM_001407590.1, NM_001407591.1 and 22 more transcripts); c.1060A>G, p.Lys354Glu (NM_001407646.1, NM_001407647.1); c.946A>G, p.Lys316Glu (NM_001407648.1, NM_001407664.1, NM_001407665.1 and 19 more transcripts); c.943A>G, p.Lys315Glu (NM_001407649.1, NM_001407670.1, NM_001407671.1 and 11 more transcripts); c.991A>G, p.Lys331Glu (NM_001407653.1, NM_001407654.1, NM_001407655.1 and 4 more transcripts); c.988A>G, p.Lys330Glu (NM_001407659.1, NM_001407660.1, NM_001407661.1 and 1 more transcripts); and 40 more; short protein forms K310E, K357E, K245E, K268E, K269E, K289E, K331E, K354E.
Identifiers: ClinVar variation 855083 (VCV000855083.13), dbSNP rs2053998767, ClinGen allele CA10599920.